The following is an entry in ClinVar:

ClinVar aggregate classification (germline): Uncertain significance (1 of 4 stars; one submission).

gnomAD v4.1: 6 of 1,589,746 alleles (0.00038%); highest among the groups gnomAD compares: Non-Finnish European, 0.00052%; no homozygotes.

Submission:

Labcorp Genetics (formerly Invitae), Labcorp
Classification: Uncertain significance. Last evaluated: 2021-05-10. Review status: criteria provided, single submitter. Criteria: Invitae Variant Classification Sherloc (09022015). Collection method: clinical testing. Allele origin: germline.
Comment: This variant has not been reported in the literature in individuals with ERBIN-related conditions. In summary, the available evidence is currently insufficient to determine the role of this variant in disease. Therefore, it has been classified as a Variant of Uncertain Significance. Algorithms developed to predict the effect of missense changes on protein structure and function (SIFT, PolyPhen-2, Align-GVGD) all suggest that this variant is likely to be tolerated, but these predictions have not been confirmed by published functional studies and their clinical significance is uncertain. This variant is not present in population databases (ExAC no frequency). This sequence change replaces methionine with valine at codon 437 of the ERBIN protein (p.Met437Val). The methionine residue is moderately conserved and there is a small physicochemical difference between methionine and valine.

NM_001253697.2(ERBIN):c.1309A>G (p.Met437Val)

Gene: ERBIN (erbb2 interacting protein; plus strand). Cytogenetic location: 5q12.3.
Variant type: single nucleotide variant.
Coding change: c.1309A>G on transcript NM_001253697.2 (MANE Select); coding-DNA position 1309, A replaced by G.
Protein change: p.Met437Val; replaces methionine 437 with valine.
Molecular consequence: missense variant.
Genome position (GRCh38, 1-based): chr5:66,043,079, A>G. VCF-style: chr5-66043079-A-G. GRCh37 (hg19) VCF-style: chr5-65338907-A-G.
Other names: c.1309A>G, p.Met437Val (NM_001006600.3, NM_001253698.2, NM_001253699.2 and 2 more transcripts); short protein forms M437V.
Identifiers: ClinVar variation 1509837 (VCV001509837.8), dbSNP rs2151202349, ClinGen allele CA359976169.
Genomic context (GRCh38, chr5:66,043,079, plus strand): 5'-ATAGTTTTCCATAATTACAGTAAAATATAGTAGGTTTTTGTTTTTTACTTTTCTCTAGTT[A>G]TGTTTATATCAGATAATGAAAGTTTTAACCCTTCATTGTGGGAGGAACAGAGGAAACAGC-3'
Protein context (NP_001240626.1, residues 427-447): FPQQPRTEDV[Met437Val]FISDNESFNP